The following is an entry in ClinVar:

ClinVar aggregate classification (germline): Uncertain significance (1 of 4 stars; one submission).

gnomAD v4.1: 3 of 1,614,036 alleles (0.00019%); highest among the groups gnomAD compares: South Asian, 0.0033%; no homozygotes.

Submission:

Labcorp Genetics (formerly Invitae), Labcorp
Classification: Uncertain significance. Last evaluated: 2025-11-12. Review status: criteria provided, single submitter. Criteria: Invitae Variant Classification Sherloc (09022015). Collection method: clinical testing. Allele origin: germline.
Comment: This sequence change falls in intron 10 of the PTPN23 gene. It does not directly change the encoded amino acid sequence of the PTPN23 protein. This variant is present in population databases (rs762527756, gnomAD 0.003%). This variant has not been reported in the literature in individuals affected with PTPN23-related conditions. Algorithms developed to predict the effect of sequence changes on RNA splicing suggest that this variant may disrupt the consensus splice site. In summary, the available evidence is currently insufficient to determine the role of this variant in disease. Therefore, it has been classified as a Variant of Uncertain Significance.

NM_015466.4(PTPN23):c.864+7C>G

Gene: PTPN23 (protein tyrosine phosphatase non-receptor type 23; plus strand). Cytogenetic location: 3p21.31.
Variant type: single nucleotide variant.
Coding change: c.864+7C>G on transcript NM_015466.4 (MANE Select); 7 bases into the intron after coding-DNA position 864, C replaced by G.
Molecular consequence: intron variant.
Genome position (GRCh38, 1-based): chr3:47,407,193, C>G. VCF-style: chr3-47407193-C-G. GRCh37 (hg19) VCF-style: chr3-47448683-C-G.
Other names: c.486+7C>G (NM_001304482.2).
Identifiers: ClinVar variation 4798272 (VCV004798272.1).
Genomic context (GRCh38, chr3:47,407,193, plus strand): 5'-GCATACTTCCAGAGCGCCCTGGACAAGCTCAATGAAGCCATCAAGTTGGCCAAGGTAAAG[C>G]TGAGGAAGGCCTGGCTGCCCTGAGGGTATAGGAGCAAGCCCGGTAGGACTGAGGGGGTGT-3'